The following is an entry in ClinVar:

NM_018060.4(IARS2):c.391-268T>G

Gene: IARS2 (isoleucyl-tRNA synthetase 2, mitochondrial; plus strand). Cytogenetic location: 1q41.
Variant type: single nucleotide variant.
Coding change: c.391-268T>G on transcript NM_018060.4 (MANE Select); 268 bases into the intron before coding-DNA position 391, T replaced by G.
Molecular consequence: intron variant.
Genome position (GRCh38, 1-based): chr1:220,100,222, T>G. VCF-style: chr1-220100222-T-G. GRCh37 (hg19) VCF-style: chr1-220273564-T-G.
Identifiers: ClinVar variation 680610 (VCV000680610.1), dbSNP rs2289190, ClinGen allele CA15088684.

ClinVar aggregate classification (germline): Benign (1 of 4 stars; one submission).

Allele frequency attached by ClinVar (database versions not stated): TOPMed 0.25959; gnomAD 0.26063; 1000 Genomes Project 0.26817; 1000 Genomes Project 30x 0.27014.
gnomAD v4.1: 38,211 of 152,128 alleles (25%); highest among the groups gnomAD compares: East Asian, 39%; 4,910 homozygotes.

Submission:

GeneDx
Classification: Benign. Last evaluated: 2018-06-14. Review status: criteria provided, single submitter. Criteria: GeneDx Variant Classification (06012015). Collection method: clinical testing. Allele origin: germline. Affected: yes.
Comment: This variant is considered likely benign or benign based on one or more of the following criteria: it is a conservative change, it occurs at a poorly conserved position in the protein, it is predicted to be benign by multiple in silico algorithms, and/or has population frequency not consistent with disease.